The following is an entry in ClinVar:

NM_138420.4(AHNAK2):c.12974C>T (p.Ala4325Val)

Gene: AHNAK2 (AHNAK nucleoprotein 2; minus strand). Cytogenetic location: 14q32.33.
Variant type: single nucleotide variant.
Coding change: c.12974C>T on transcript NM_138420.4 (MANE Select); coding-DNA position 12974, C replaced by T.
Protein change: p.Ala4325Val; replaces alanine 4325 with valine.
Molecular consequence: missense variant.
Genome position (GRCh38, 1-based): chr14:104,942,477, G>A on the plus strand (C>T on the coding strand, the complement: AHNAK2 is on the minus strand). VCF-style: chr14-104942477-G-A. GRCh37 (hg19) VCF-style: chr14-105408814-G-A.
Other names: c.12674C>T, p.Ala4225Val (NM_001350929.2); short protein forms A4225V, A4325V.
Identifiers: ClinVar variation 2644639 (VCV002644639.24), dbSNP rs143133046, ClinGen allele CA7378096.
Genomic context (GRCh38, chr14:104,942,477, plus strand): 5'-TGAGTGGTCTTCAGGTCCCCCTGCATGGAGGGGAGGCTCACGTCAGCCTCCACCTTCAGC[G>A]CAGACACATCCAACGAGGCCTCGATGGACTTGCCTGGGGCAGACACCCCGAACGACGGCA-3'
Protein context (NP_612429.2, residues 4315-4335): KSIEASLDVS[Ala4325Val]LKVEADVSLP

ClinVar aggregate classification (germline): Likely benign (1 of 4 stars; one submission).

Allele frequency attached by ClinVar (database versions not stated): gnomAD 0.00214; ESP Exome Variant Server 0.00238; TOPMed 0.00242; 1000 Genomes Project 0.00379; 1000 Genomes Project 30x 0.00406.
gnomAD v4.1: 694 of 1,612,262 alleles (0.043%); highest among the groups gnomAD compares: African/African-American, 0.74%; 5 homozygotes.

Submission:

CeGaT Center for Human Genetics Tuebingen
Classification: Likely benign. Last evaluated: 2023-04-01. Review status: criteria provided, single submitter. Criteria: CeGaT Center For Human Genetics Tuebingen Variant Classification Criteria Version 2. Collection method: clinical testing. Allele origin: germline. Affected: yes. Observed: 1 variant allele.
Comment: AHNAK2: BP4, BS2